The following is an entry in ClinVar:

NM_058216.3(RAD51C):c.354G>C (p.Met118Ile)

Gene: RAD51C (RAD51 paralog C; plus strand). Cytogenetic location: 17q22.
Variant type: single nucleotide variant.
Coding change: c.354G>C on transcript NM_058216.3 (MANE Select); coding-DNA position 354, G replaced by C.
Protein change: p.Met118Ile; replaces methionine 118 with isoleucine.
Molecular consequence: missense variant. On other transcripts: non-coding transcript variant (2).
Genome position (GRCh38, 1-based): chr17:58,695,139, G>C. VCF-style: chr17-58695139-G-C. GRCh37 (hg19) VCF-style: chr17-56772500-G-C.
Other names: c.354G>C, p.Met118Ile (NM_002876.4); short protein forms M118I.
Identifiers: ClinVar variation 409844 (VCV000409844.15), dbSNP rs768238518, ClinGen allele CA8677200.

ClinVar aggregate classification (germline): Uncertain significance. Review status: criteria provided, multiple submitters, no conflicts (2 of 4 stars). 3 submissions from 3 submitters: Uncertain significance (3). Last evaluated 2025-11-11.

Conditions:
Fanconi anemia complementation group O. Also called: RAD51C-Related Fanconi Anemia. Identifiers: Orphanet 84, MedGen C3150653, MONDO:0013248, OMIM 613390.
Hereditary cancer-predisposing syndrome. Also called: Hereditary neoplastic syndrome; Neoplastic Syndromes, Hereditary; Tumor predisposition; Hereditary Cancer Syndrome. Identifiers: Orphanet 140162, MedGen C0027672, MeSH D009386, MONDO:0015356.

Allele frequency attached by ClinVar (database versions not stated): gnomAD exomes below 0.00001 and 0.00001; gnomAD 0.00001 and 0.00002; ExAC 0.00002; TOPMed 0.00003.

Submissions (3):

Labcorp Genetics (formerly Invitae), Labcorp
Classification: Uncertain significance for Fanconi anemia complementation group O. Last evaluated: 2025-11-11. Review status: criteria provided, single submitter. Criteria: Invitae Variant Classification Sherloc (09022015). Collection method: clinical testing. Allele origin: germline.
Comment: This sequence change replaces methionine, which is neutral and non-polar, with isoleucine, which is neutral and non-polar, at codon 118 of the RAD51C protein (p.Met118Ile). This variant is present in population databases (rs768238518, gnomAD 0.01%). This variant has not been reported in the literature in individuals affected with RAD51C-related conditions. ClinVar contains an entry for this variant (Variation ID: 409844). Invitae Evidence Modeling of protein sequence and biophysical properties (such as structural, functional, and spatial information, amino acid conservation, physicochemical variation, residue mobility, and thermodynamic stability) indicates that this missense variant is not expected to disrupt RAD51C protein function with a negative predictive value of 80%. In summary, the available evidence is currently insufficient to determine the role of this variant in disease. Therefore, it has been classified as a Variant of Uncertain Significance.

Ambry Genetics
Classification: Uncertain significance for Hereditary cancer-predisposing syndrome. Last evaluated: 2025-02-19. Review status: criteria provided, single submitter. Criteria: Ambry Variant Classification Scheme 2023. Collection method: clinical testing. Allele origin: germline.
Comment: The p.M118I variant (also known as c.354G>C), located in coding exon 2 of the RAD51C gene, results from a G to C substitution at nucleotide position 354. The methionine at codon 118 is replaced by isoleucine, an amino acid with highly similar properties. This amino acid position is poorly conserved in available vertebrate species. In addition, this alteration is predicted to be tolerated by in silico analysis. Based on the available evidence, the clinical significance of this variant remains unclear.

Sema4
Classification: Uncertain significance for Hereditary cancer-predisposing syndrome. Last evaluated: 2022-03-02. Review status: criteria provided, single submitter. Criteria: Sema4 Curation Guidelines. Collection method: curation. Allele origin: germline.
Comment: The RAD51C c.354G>C (p.M118I) variant has not been reported in individuals with RAD51C-related disease to our knowledge. This variant was observed in 2/16224 chromosomes in the African/African American population, according to the Genome Aggregation Database (PMID: 32461654). The variant has been reported in ClinVar (Variation ID: 409844). In silico tools suggest the impact of the variant on protein function is benign, though these predictions have not been confirmed by functional studies. The evidence is insufficient to meet ACMG/AMP criteria for classifying the variant as benign or pathogenic. Based on the current evidence available, this variant is interpreted as a variant of uncertain significance.